The following is an entry in ClinVar:

ClinVar aggregate classification (germline): Uncertain significance (1 of 4 stars; one submission).

Conditions:
Familial thoracic aortic aneurysm and aortic dissection (TAAD). Also called: Thoracic aortic aneurysms and dissections. Identifiers: Orphanet 91387, MedGen C4707243, MONDO:0019625.

Submission:

All of Us Research Program, National Institutes of Health
Classification: Uncertain significance for Familial thoracic aortic aneurysm and aortic dissection. Last evaluated: 2023-10-23. Review status: criteria provided, single submitter. Criteria: ACMG Guidelines, 2015. Collection method: clinical testing. Allele origin: germline. Inheritance: Autosomal dominant inheritance. Observed: 1 variant allele, 1 heterozygote.
Comment: This missense variant replaces aspartic acid with glutamic acid at codon 365 of the ACTA2 protein. Computational prediction is inconclusive regarding the impact of this variant on protein structure and function (internally defined REVEL score threshold 0.5 < inconclusive < 0.7, PMID: 27666373). To our knowledge, functional studies have not been reported for this variant. This variant has not been reported in individuals affected with ACTA2-related disorders in the literature. This variant has not been identified in the general population by the Genome Aggregation Database (gnomAD). The available evidence is insufficient to determine the role of this variant in disease conclusively. Therefore, this variant is classified as a Variant of Uncertain Significance.

This study involves interpretation of variants in research participants for the purpose of population health screening. Participant phenotype was not available at the time of variant classification. Additional details can be found in publication PMID: 35346344, PMCID: PMC8962531

NM_001613.4(ACTA2):c.1095T>G (p.Asp365Glu)

Genes: ACTA2-AS1 (ACTA2 antisense RNA 1; plus strand), ACTA2 (actin alpha 2, smooth muscle; minus strand). Cytogenetic location: 10q23.31.
Variant type: single nucleotide variant.
Coding change: c.1095T>G on transcript NM_001613.4 (MANE Select); coding-DNA position 1095, T replaced by G.
Protein change: p.Asp365Glu; replaces aspartic acid 365 with glutamic acid.
Molecular consequence: missense variant. On other transcripts: non-coding transcript variant (1).
Genome position (GRCh38, 1-based): chr10:88,935,262, A>C on the plus strand (T>G on the coding strand, the complement: ACTA2 is on the minus strand). VCF-style: chr10-88935262-A-C. GRCh37 (hg19) VCF-style: chr10-90695019-A-C.
Other names: c.1095T>G, p.Asp365Glu (NM_001141945.3, NM_001320855.2, NM_001406462.1 and 2 more transcripts); c.984T>G, p.Asp328Glu (NM_001406466.1); c.966T>G, p.Asp322Glu (NM_001406467.1, NM_001406468.1, NM_001406469.1); c.903T>G, p.Asp301Glu (NM_001406471.1); short protein forms D301E, D322E, D328E, D365E.
Identifiers: ClinVar variation 3074151 (VCV003074151.1), dbSNP rs1272015167, ClinGen allele CA377510399.